The following is an entry in ClinVar:

NM_000271.5(NPC1):c.1033_1034del (p.Phe345fs)

Gene: NPC1 (NPC intracellular cholesterol transporter 1; minus strand). Cytogenetic location: 18q11.2.
Variant type: Deletion.
Coding change: c.1033_1034del on transcript NM_000271.5 (MANE Select); coding-DNA positions 1033 to 1034, 2 bases deleted (TT; older notation c.1033_1034delTT).
Protein change: p.Phe345fs; shifts the reading frame from phenylalanine 345.
Molecular consequence: frameshift variant.
Genome position (GRCh38, 1-based): chr18:23,556,535-23,556,536, AA deleted on the plus strand (TT on the coding strand, the reverse complement: NPC1 is on the minus strand); deleting any 2 consecutive bases within chr18:23,556,535-23,556,537 gives the same sequence; the c. name uses the placement nearest the transcript's 3' end. VCF-style (leftmost placement, unchanged base first): chr18-23556534-GAA-G. GRCh37 (hg19) VCF-style: chr18-21136498-GAA-G.
Other names: short protein forms F345fs.
Identifiers: ClinVar variation 371030 (VCV000371030.6), dbSNP rs1057516950, ClinGen allele CA16041918.
Genomic context (GRCh38, chr18:23,556,534, plus strand): 5'-CGAACACGCAGTAATGAAGACCAGCGAGAAGAAAATGACACAGCCAGGGTTTCGGACGCA[GAA>G]AGACCCCCAGCGTGTGAACAGCCGCCTCAAGCAGCCCTCAAATGCTGCGCTGACAGGGTC-3'

ClinVar aggregate classification (germline): Pathogenic. Review status: criteria provided, single submitter (1 of 4 stars). 2 submissions from 2 submitters: Pathogenic (1). 1 of the submissions does not count toward it. Last evaluated 2022-12-11.

Conditions:
Niemann-Pick disease, type C1. Also called: NEUROVISCERAL STORAGE DISEASE WITH VERTICAL SUPRANUCLEAR OPHTHALMOPLEGIA; NIEMANN-PICK DISEASE WITH CHOLESTEROL ESTERIFICATION BLOCK; NIEMANN-PICK DISEASE WITHOUT SPHINGOMYELINASE DEFICIENCY; NIEMANN-PICK DISEASE, CHRONIC NEURONOPATHIC FORM; NIEMANN-PICK DISEASE, VARIANT TYPE C1. Identifiers: Orphanet 646, MedGen C3179455, MONDO:0009757, OMIM 257220.

Submissions (2):

Labcorp Genetics (formerly Invitae), Labcorp
Classification: Pathogenic for Niemann-Pick disease, type C1. Last evaluated: 2022-12-11. Review status: criteria provided, single submitter. Criteria: Invitae Variant Classification Sherloc (09022015). Collection method: clinical testing. Allele origin: germline.
Comment: This sequence change creates a premature translational stop signal (p.Phe345Leufs*34) in the NPC1 gene. It is expected to result in an absent or disrupted protein product. Loss-of-function variants in NPC1 are known to be pathogenic (PMID: 9211850). This variant is not present in population databases (gnomAD no frequency). This variant has not been reported in the literature in individuals affected with NPC1-related conditions. ClinVar contains an entry for this variant (Variation ID: 371030). For these reasons, this variant has been classified as Pathogenic.

Counsyl
Classification: Likely pathogenic for Niemann-Pick disease, type C1. Last evaluated: 2016-06-08. Review status: no assertion criteria provided. Collection method: clinical testing. Allele origin: unknown. Not counted in ClinVar's aggregate classification.

Literature cited by the submitters: PubMed 9211850 (cited by Labcorp Genetics (formerly Invitae), Labcorp).